The following is an entry in ClinVar:

ClinVar aggregate classification (germline): Uncertain significance. Review status: criteria provided, multiple submitters, no conflicts (2 of 4 stars). 2 submissions from 2 submitters: Uncertain significance (2). Last evaluated 2024-11-23.

Conditions:
Inborn genetic diseases. Identifiers: MedGen C0950123, MeSH D030342.

Submissions (2):

Ambry Genetics
Classification: Uncertain significance for Inborn genetic diseases. Last evaluated: 2024-11-23. Review status: criteria provided, single submitter. Criteria: Ambry Variant Classification Scheme 2023. Collection method: clinical testing. Allele origin: germline.
Comment: The p.H1081Y variant (also known as c.3241C>T), located in coding exon 24 of the ANKRD26 gene, results from a C to T substitution at nucleotide position 3241. The histidine at codon 1081 is replaced by tyrosine, an amino acid with similar properties. This amino acid position is conserved. In addition, this alteration is predicted to be tolerated by in silico analysis. Based on the available evidence, the clinical significance of this variant remains unclear.

Labcorp Genetics (formerly Invitae), Labcorp
Classification: Uncertain significance. Last evaluated: 2022-11-30. Review status: criteria provided, single submitter. Criteria: Invitae Variant Classification Sherloc (09022015). Collection method: clinical testing. Allele origin: germline.
Comment: In summary, the available evidence is currently insufficient to determine the role of this variant in disease. Therefore, it has been classified as a Variant of Uncertain Significance. Algorithms developed to predict the effect of missense changes on protein structure and function output the following: SIFT: "Deleterious"; PolyPhen-2: "Benign"; Align-GVGD: "Class C0". The tyrosine amino acid residue is found in multiple mammalian species, which suggests that this missense change does not adversely affect protein function. This variant has not been reported in the literature in individuals affected with ANKRD26-related conditions. This variant is present in population databases (no rsID available, gnomAD 0.01%). This sequence change replaces histidine, which is basic and polar, with tyrosine, which is neutral and polar, at codon 1081 of the ANKRD26 protein (p.His1081Tyr).

NM_014915.3(ANKRD26):c.3241C>T (p.His1081Tyr)

Gene: ANKRD26 (ankyrin repeat domain 26; minus strand). Cytogenetic location: 10p12.1.
Variant type: single nucleotide variant.
Coding change: c.3241C>T on transcript NM_014915.3 (MANE Select); coding-DNA position 3241, C replaced by T.
Protein change: p.His1081Tyr; replaces histidine 1081 with tyrosine.
Molecular consequence: missense variant.
Genome position (GRCh38, 1-based): chr10:27,035,209, G>A on the plus strand (C>T on the coding strand, the complement: ANKRD26 is on the minus strand). VCF-style: chr10-27035209-G-A. GRCh37 (hg19) VCF-style: chr10-27324138-G-A.
Other names: c.3238C>T, p.His1080Tyr (NM_001256053.2); short protein forms H1081Y, H1080Y.
Identifiers: ClinVar variation 2891263 (VCV002891263.4), dbSNP rs1002943816, ClinGen allele CA204449217.